The following is an entry in ClinVar:

ClinVar aggregate classification (germline): Likely pathogenic. Review status: criteria provided, single submitter (1 of 4 stars). 3 submissions from 3 submitters: Likely pathogenic (1). 2 of the submissions do not count toward it. Last evaluated 2025-08-05.

Conditions:
Ciliary dyskinesia, primary, 52 (CILD52). Also called: CILIARY DYSKINESIA, PRIMARY, 52, WITH OR WITHOUT SITUS INVERSUS. Identifiers: MedGen C5882714, MONDO:0957922, OMIM 620570.
Primary ciliary dyskinesia. Also called: Ciliary dyskinesia. Identifiers: Orphanet 244, MedGen C0008780, MONDO:0016575, HP:0012265.

Submissions (3):

First Genomix Gene Laboratory, Genetic Diagnostics Department
Classification: Likely pathogenic for Ciliary dyskinesia, primary, 52. Last evaluated: 2025-08-05. Review status: criteria provided, single submitter. Criteria: ACMG Guidelines, 2015. Collection method: clinical testing. Allele origin: germline. Inheritance: Autosomal recessive inheritance. Affected: no. Observed: 1 variant allele.

OMIM
Classification: Pathogenic for CILIARY DYSKINESIA, PRIMARY, 52, WITH SITUS INVERSUS. Last evaluated: 2023-11-07. Review status: no assertion criteria provided. Collection method: literature only. Allele origin: germline. Not counted in ClinVar's aggregate classification.

New Leaf Center
Classification: Pathogenic for Primary ciliary dyskinesia. Review status: no assertion criteria provided. Collection method: research. Allele origin: unknown. Inheritance: Autosomal recessive inheritance. Affected: yes. Not counted in ClinVar's aggregate classification.

Literature cited by the submitters: PubMed 28991257 (cited by OMIM); PubMed 36074124 (cited by OMIM).

NM_178821.3(DAW1):c.1091G>C (p.Ser364Thr)

Gene: DAW1 (dynein assembly factor with WD repeats 1; plus strand). Cytogenetic location: 2q36.3.
Variant type: single nucleotide variant.
Coding change: c.1091G>C on transcript NM_178821.3 (MANE Select); coding-DNA position 1091, G replaced by C.
Protein change: p.Ser364Thr; replaces serine 364 with threonine.
Molecular consequence: missense variant. On other transcripts: non-coding transcript variant (1).
Genome position (GRCh38, 1-based): chr2:227,921,439, G>C. VCF-style: chr2-227921439-G-C. GRCh37 (hg19) VCF-style: chr2-228786155-G-C.
Other names: c.1091G>C (NM_178821.2); c.1046G>C, p.Ser349Thr (NM_001330004.2); short protein forms S349T, S364T.
Identifiers: ClinVar variation 1325692 (VCV001325692.3), dbSNP rs541693633, ClinGen allele CA2149990.